The following is an entry in ClinVar:

NM_138694.4(PKHD1):c.6390dup (p.Thr2131fs)

Gene: PKHD1 (PKHD1 ciliary IPT domain containing fibrocystin/polyductin; minus strand). Cytogenetic location: 6p12.2.
Variant type: Duplication.
Coding change: c.6390dup on transcript NM_138694.4 (MANE Select); coding-DNA position 6390, one base duplicated (C; older notation c.6390dupC).
Protein change: p.Thr2131fs; shifts the reading frame from threonine 2131.
Molecular consequence: frameshift variant.
Genome position (GRCh38, 1-based): chr6:51,911,899, G duplicated on the plus strand (C on the coding strand, the reverse complement: PKHD1 is on the minus strand); the first of 2 consecutive G bases (chr6:51,911,899-51,911,900); duplicating either gives the same sequence. VCF-style (leftmost placement, unchanged base first): chr6-51911898-T-TG. GRCh37 (hg19) VCF-style: chr6-51776696-T-TG.
Other names: c.6390dup, p.Thr2131fs (NM_170724.3); short protein forms T2131fs.
Identifiers: ClinVar variation 5014097 (VCV005014097.1).

ClinVar aggregate classification (germline): Pathogenic (1 of 4 stars; one submission).

Conditions:
Polycystic kidney disease 4 (PKD4). Also called: POLYCYSTIC KIDNEY AND HEPATIC DISEASE 1; POLYCYSTIC KIDNEY DISEASE, INFANTILE, TYPE I; POLYCYSTIC KIDNEY DISEASE 4 WITH OR WITHOUT POLYCYSTIC LIVER DISEASE; PKD3; Autosomal Recessive Polycystic Kidney Disease – PKHD1. Identifiers: MedGen C4540575, MONDO:0033004, OMIM 263200.

Submission:

Myriad Genetics, Inc.
Classification: Pathogenic for Polycystic kidney disease 4. Last evaluated: 2025-02-13. Review status: criteria provided, single submitter. Criteria: Myriad Autosomal Dominant, Autosomal Recessive and X-Linked Classification Criteria (2023). Collection method: clinical testing. Allele origin: unknown.
Comment: NM_138694.3(PKHD1):c.6390dupC(T2131Hfs*17) is expected to be pathogenic in the context of autosomal recessive polycystic kidney disease, PKHD1-related. This variant is predicted to lead to an abnormal or absent protein product due to the creation of a premature termination codon in PKHD1, a gene where loss-of-function variants are known to be pathogenic. Please note: this variant was assessed in the context of healthy population screening.